The following is an entry in ClinVar:

NM_001382430.1(AKT1):c.174G>A (p.Ala58=)

Gene: AKT1 (AKT serine/threonine kinase 1; minus strand). Cytogenetic location: 14q32.33.
Variant type: single nucleotide variant.
Coding change: c.174G>A on transcript NM_001382430.1 (MANE Select); coding-DNA position 174, G replaced by A.
Protein change: p.Ala58=; no amino-acid change (alanine 58 retained).
Molecular consequence: synonymous variant.
Genome position (GRCh38, 1-based): chr14:104,780,089, C>T on the plus strand (G>A on the coding strand, the complement: AKT1 is on the minus strand). VCF-style: chr14-104780089-C-T. GRCh37 (hg19) VCF-style: chr14-105246426-C-T.
Other names: c.174G>A, p.Ala58= (NM_001014431.2, NM_001014432.2, NM_001382431.1 and 3 more transcripts).
Identifiers: ClinVar variation 473853 (VCV000473853.11), dbSNP rs560243859, ClinGen allele CA7374890.

ClinVar aggregate classification (germline): Conflicting classifications of pathogenicity. Review status: criteria provided, conflicting classifications (1 of 4 stars). 2 submissions from 2 submitters: Uncertain significance (1); Likely benign (1). Last evaluated 2025-07-31.

Conditions:
Inborn genetic diseases. Identifiers: MedGen C0950123, MeSH D030342.
Cowden syndrome 6 (CWS6). Identifiers: Orphanet 201, MedGen C3554519, MONDO:0014048, OMIM 615109.

Allele frequency attached by ClinVar (database versions not stated): gnomAD exomes 0.00003 and 0.00006; gnomAD 0.00005 and 0.00008; ExAC 0.00006; TOPMed 0.00009; 1000 Genomes Project 0.00060; 1000 Genomes Project 30x 0.00062.
gnomAD v4.1: 62 of 1,613,300 alleles (0.0038%); highest among the groups gnomAD compares: South Asian, 0.035%; no homozygotes.

Submissions (2):

Labcorp Genetics (formerly Invitae), Labcorp
Classification: Uncertain significance for Cowden syndrome 6. Last evaluated: 2025-07-31. Review status: criteria provided, single submitter. Criteria: Invitae Variant Classification Sherloc (09022015). Collection method: clinical testing. Allele origin: germline.
Comment: This sequence change affects codon 58 of the AKT1 mRNA. It is a 'silent' change, meaning that it does not change the encoded amino acid sequence of the AKT1 protein. It affects a nucleotide within the consensus splice site. This variant is present in population databases (rs560243859, gnomAD 0.03%). This variant has not been reported in the literature in individuals affected with AKT1-related conditions. ClinVar contains an entry for this variant (Variation ID: 473853). Algorithms developed to predict the effect of sequence changes on RNA splicing suggest that this variant is not likely to affect RNA splicing. In summary, the available evidence is currently insufficient to determine the role of this variant in disease. Therefore, it has been classified as a Variant of Uncertain Significance.

Ambry Genetics
Classification: Likely benign for Inborn genetic diseases. Last evaluated: 2022-02-23. Review status: criteria provided, single submitter. Criteria: Ambry Variant Classification Scheme 2023. Collection method: clinical testing. Allele origin: germline.